The following is an entry in ClinVar:

NM_003000.3(SDHB):c.28A>C (p.Arg10=)

Gene: SDHB (succinate dehydrogenase complex iron sulfur subunit B; minus strand). Cytogenetic location: 1p36.13.
Variant type: single nucleotide variant.
Coding change: c.28A>C on transcript NM_003000.3 (MANE Select); coding-DNA position 28, A replaced by C.
Protein change: p.Arg10=; no amino-acid change (arginine 10 retained).
Molecular consequence: synonymous variant.
Genome position (GRCh38, 1-based): chr1:17,053,992, T>G on the plus strand (A>C on the coding strand, the complement: SDHB is on the minus strand). VCF-style: chr1-17053992-T-G. GRCh37 (hg19) VCF-style: chr1-17380487-T-G.
Other names: c.28A>C, p.Arg10= (NM_001407361.1).
Identifiers: ClinVar variation 3753054 (VCV003753054.3).

ClinVar aggregate classification (germline): Benign/Likely benign. Review status: criteria provided, multiple submitters, no conflicts (2 of 4 stars). 2 submissions from 2 submitters: Benign (1); Likely benign (1). Last evaluated 2025-03-12.

Conditions:
Pheochromocytoma/paraganglioma syndrome 4. Also called: CAROTID BODY TUMORS AND MULTIPLE EXTRAADRENAL PHEOCHROMOCYTOMAS; PARAGANGLIOMA, FAMILIAL MALIGNANT; PARAGANGLIOMAS, HEREDITARY EXTRAADRENAL; PHEOCHROMOCYTOMA, FAMILIAL EXTRAADRENAL; Paragangliomas 4; SDHB-Related Hereditary Paraganglioma-Pheochromocytoma Syndrome (Paragangliomas 4). Identifiers: Orphanet 29072, MedGen C1861848, MONDO:0007273, OMIM 115310.
Pheochromocytoma. Also called: MAX-Related Hereditary Paraganglioma-Pheochromocytoma Syndrome. Identifiers: Orphanet 29072, MedGen C0031511, MONDO:0008233, OMIM 171300, HP:0002666.
Gastrointestinal stromal tumor. Also called: Gastrointestinal stromal tumor, somatic; Gastrointestinal stroma tumor. Identifiers: Orphanet 44890, MedGen C0238198, MeSH D046152, MONDO:0011719, OMIM 606764, HP:0100723.

gnomAD v4.1: 1 of 1,612,802 alleles (0.000062%); highest among the groups gnomAD compares: Non-Finnish European, 0.000085%; no homozygotes.

Submissions (2):

Myriad Genetics, Inc.
Classification: Benign for Pheochromocytoma/paraganglioma syndrome 4. Last evaluated: 2025-03-12. Review status: criteria provided, single submitter. Criteria: Myriad Autosomal Dominant, Autosomal Recessive and X-Linked Classification Criteria (2023). Collection method: clinical testing. Allele origin: unknown.
Comment: This variant is considered benign. This variant is a silent/synonymous amino acid change and it is not expected to impact splicing.

Labcorp Genetics (formerly Invitae), Labcorp
Classification: Likely benign for Gastrointestinal stromal tumor; Pheochromocytoma/paraganglioma syndrome 4; Pheochromocytoma. Last evaluated: 2024-12-26. Review status: criteria provided, single submitter. Criteria: Invitae Variant Classification Sherloc (09022015). Collection method: clinical testing. Allele origin: germline.